The following continues an entry in ClinVar:

NM_000257.4(MYH7):c.2609G>A (p.Arg870His)

ClinVar aggregate classification (germline): Pathogenic. Pathogenic (1).

Submissions 18 to 31 of 31:

Laboratory for Molecular Medicine, Mass General Brigham Personalized Medicine
Classification: Pathogenic for Hypertrophic cardiomyopathy. Last evaluated: 2020-10-05. Review status: criteria provided, single submitter. Criteria: LMM Criteria. Collection method: clinical testing. Allele origin: germline. Inheritance: Autosomal dominant inheritance. Observed: 8 variant alleles. Not counted in ClinVar's aggregate classification.
Comment: proposed classification - variant undergoing re-assessment, contact laboratory

Center for Human Genetics, University of Leuven
Classification: Pathogenic for Hypertrophic cardiomyopathy. Last evaluated: 2018-10-31. Review status: criteria provided, single submitter. Criteria: ACMG Guidelines, 2015. Collection method: clinical testing. Allele origin: germline. Affected: yes. Not counted in ClinVar's aggregate classification.

Human Genome Sequencing Center Clinical Lab, Baylor College of Medicine
Classification: Pathogenic for Hypertrophic cardiomyopathy 1. Last evaluated: 2017-07-10. Review status: criteria provided, single submitter. Criteria: ACMG Guidelines, 2015. Collection method: clinical testing. Allele origin: germline. Not counted in ClinVar's aggregate classification.
Comment: This c.2609G>A (p.Arg870His) has peviously been reported in several patients [PMID 8541871, 17703256, 21674835, 23816408]. Among them, the variant was detected in a large family: 19 individuals were tested and the variant segegated in all 14 affected family members [PMID 17703256]. One of these individual was homozygous for the variant and severely affected. Additional in vitro studies showed that this variant affects the function of the MYH7 protein by impacting its interaction with MYBPC3 [PMID 9172070, 10024460]. Structural modeling predicts the region harboring the p.Arg870His to affect the structure and function of the protein [PMID 21674835]. Other variants reported in patients with HCM and affecting the same amino acid have been reported (p.Arg870Cys, p.Arg870Leu). Arginine at position 870 of the MYH7 protein is conserved among mammals and computer-based algorithms SIFT and Polyphen-2 predict this p.Arg870His change to be deleterious. We are not aware of any previously reported patient with a mosaic finding in MYH7. Therefore, the clinical significance of this finding is unknown at this time. In addition, germline mosaicism cannot be excluded. Thus, clinical correlation and studies in family members at risk is recommended.

Centre for Mendelian Genomics, University Medical Centre Ljubljana
Classification: Pathogenic for Chest pain; Hypertrophic cardiomyopathy. Last evaluated: 2017-01-01. Review status: criteria provided, single submitter. Criteria: ACMG Guidelines, 2015. Collection method: clinical testing. Allele origin: unknown. Affected: yes. Not counted in ClinVar's aggregate classification.

Agnes Ginges Centre for Molecular Cardiology, Centenary Institute
Classification: Pathogenic for Familial hypertrophic cardiomyopathy 1. Last evaluated: 2015-04-09. Review status: criteria provided, single submitter. Criteria: Agnes Ginges Centre for Molecular Cardiology criteria (2015). Collection method: research. Allele origin: germline. Inheritance: Autosomal dominant inheritance. Affected: yes. Not counted in ClinVar's aggregate classification.
Comment: This MYH7 Arg870His variant has been previously well described in multiple unrelated HCM cases (see references). Segregation of this variant with disease has been demonstrated in multiple unrelated families (Nishi H, et al., 1995; Erdmann J, et al., 2003; Tanjore RR, et al., 2006; Bashyam MD, et al., 2007), with incomplete penetrance observed in a few individuals. Two affected individuals who are homozygous for this variant have been identified in a large consanguineous family amongst other members who were heterozygous for MYH7 Arg870His (Tanjore RR, et al., 2006; Bashyam MD et al., 2007). This variant is rare and is only observed as a singleton event in the Exome Aggregation Consortium dataset. Arginine (Arg) at position 870 is highly conserved across distantly related species. Interestingly, there have been implications that other amino acid substitutions at this location (Arg870Cys, Arg870Leu) are causative of HCM, however, pathogenicity for these variants have not yet been fully established. Based on the rarity of the variant in the general population, observations in multiple unrelated HCM cases, and evidence of segregation with disease, we classify MYH7 Arg870His as "pathogenic".

Stanford Center for Inherited Cardiovascular Disease, Stanford University
Classification: Pathogenic. Last evaluated: 2015-02-26. Review status: criteria provided, single submitter. Criteria: ACMG Guidelines, 2015. Collection method: provider interpretation. Allele origin: germline. Not counted in ClinVar's aggregate classification.

Genomics England Pilot Project, Genomics England
Classification: Likely pathogenic for Hypertrophic cardiomyopathy 1. Review status: criteria provided, single submitter. Criteria: ACGS Guidelines, 2016. Collection method: clinical testing. Allele origin: germline. Affected: yes. Not counted in ClinVar's aggregate classification.

Kasturba Medical College, Manipal, Kasturba Medical College, Manipal, Manipal Academy of Higher Education, Manipal, India
Classification: Pathogenic for Hypertrophic cardiomyopathy 1. Review status: criteria provided, single submitter. Criteria: ACMG Guidelines, 2015. Collection method: clinical testing. Allele origin: germline. Affected: yes. Not counted in ClinVar's aggregate classification.

Sangiuolo Lab - Medical Genetics Laboratory, Tor Vergata University
Classification: Pathogenic for Arrhythmogenic Cardiomyopathy. Last evaluated: 2021-04-27. Review status: no assertion criteria provided. Collection method: clinical testing. Allele origin: germline. Affected: yes. Not counted in ClinVar's aggregate classification.

OMIM
Classification: Pathogenic for CARDIOMYOPATHY, FAMILIAL HYPERTROPHIC, 1. Last evaluated: 2006-05-01. Review status: no assertion criteria provided. Collection method: literature only. Allele origin: germline. Not counted in ClinVar's aggregate classification.

Clinical Genetics DNA and cytogenetics Diagnostics Lab, Erasmus MC, Erasmus Medical Center
Classification: Pathogenic. Review status: no assertion criteria provided. Collection method: clinical testing. Allele origin: germline. Affected: yes. Study: VKGL Data-share Consensus. Not counted in ClinVar's aggregate classification.

Clinical Genetics, Academic Medical Center
Classification: Pathogenic. Review status: no assertion criteria provided. Collection method: clinical testing. Allele origin: germline. Affected: yes. Study: VKGL Data-share Consensus. Not counted in ClinVar's aggregate classification.

Diagnostic Laboratory, Department of Genetics, University Medical Center Groningen
Classification: Pathogenic. Review status: no assertion criteria provided. Collection method: clinical testing. Allele origin: germline. Affected: yes. Study: VKGL Data-share Consensus. Not counted in ClinVar's aggregate classification.

Joint Genome Diagnostic Labs from Nijmegen and Maastricht, Radboudumc and MUMC+
Classification: Pathogenic. Review status: no assertion criteria provided. Collection method: clinical testing. Allele origin: germline. Affected: yes. Study: VKGL Data-share Consensus. Not counted in ClinVar's aggregate classification.

Literature cited by the submitters: PubMed 17703256 (cited by 8 submitters); PubMed 12974739 (cited by 7 submitters); PubMed 27532257 (cited by 5 submitters); PubMed 7796500 (cited by 8 submitters); PubMed 29300372 (cited by 3 submitters); PubMed 10725281 (cited by 4 submitters); PubMed 17125710 (cited by 6 submitters); PubMed 19150014 (cited by 5 submitters); PubMed 20031618 (cited by 3 submitters); PubMed 21674835 (cited by 6 submitters); PubMed 22429680 (cited by 4 submitters); PubMed 23283745 (cited by 4 submitters); PubMed 23816408 (cited by 6 submitters); PubMed 24111713 (cited by 3 submitters); PubMed 9172070 (cited by 5 submitters); PubMed 17192269 (cited by Labcorp Genetics (formerly Invitae), Labcorp); PubMed 16650083 (cited by 7 submitters); PubMed 22765922 (cited by 3 submitters); PubMed 24793961 (cited by Color Diagnostics, LLC DBA Color Health and All of Us Research Program, National Institutes of Health); PubMed 25132132 (cited by Color Diagnostics, LLC DBA Color Health and All of Us Research Program, National Institutes of Health); PubMed 25351510 (cited by Color Diagnostics, LLC DBA Color Health and All of Us Research Program, National Institutes of Health); PubMed 25611685 (cited by 3 submitters); PubMed 27885498 (cited by Color Diagnostics, LLC DBA Color Health and All of Us Research Program, National Institutes of Health); PubMed 28408708 (cited by 3 submitters); PubMed 28615295 (cited by Color Diagnostics, LLC DBA Color Health and All of Us Research Program, National Institutes of Health); PubMed 28790153 (cited by Color Diagnostics, LLC DBA Color Health and All of Us Research Program, National Institutes of Health); PubMed 29875424 (cited by Color Diagnostics, LLC DBA Color Health and All of Us Research Program, National Institutes of Health); PubMed 30847666 (cited by 3 submitters); PubMed 31513939 (cited by 3 submitters); PubMed 31737537 (cited by 3 submitters); PubMed 32746448 (cited by 3 submitters); PubMed 33029862 (cited by Color Diagnostics, LLC DBA Color Health and All of Us Research Program, National Institutes of Health); PubMed 33673806 (cited by 3 submitters); PubMed 34067482 (cited by 3 submitters); PubMed 35288587 (cited by Color Diagnostics, LLC DBA Color Health and All of Us Research Program, National Institutes of Health); PubMed 8951566 (cited by Women's Health and Genetics/Laboratory Corporation of America, LabCorp); PubMed 9835779 (cited by Women's Health and Genetics/Laboratory Corporation of America, LabCorp); PubMed 10024460 (cited by 3 submitters); PubMed 9742054 (cited by Women's Health and Genetics/Laboratory Corporation of America, LabCorp); PubMed 24714796 (cited by Victorian Clinical Genetics Services, Murdoch Childrens Research Institute); PubMed 8541871 (cited by AiLife Diagnostics); PubMed 27247418 (cited by AiLife Diagnostics); PubMed 21310275 (cited by AiLife Diagnostics and Laboratory for Molecular Medicine, Mass General Brigham Personalized Medicine); PubMed 32894683 (cited by AiLife Diagnostics); PubMed 33087929 (cited by AiLife Diagnostics); PubMed 31447099 (cited by AiLife Diagnostics); PubMed 7731997 (cited by Laboratory for Molecular Medicine, Mass General Brigham Personalized Medicine and Agnes Ginges Centre for Molecular Cardiology, Centenary Institute); PubMed 23074333 (cited by Laboratory for Molecular Medicine, Mass General Brigham Personalized Medicine); PubMed 8483915 (cited by Agnes Ginges Centre for Molecular Cardiology, Centenary Institute).